The following is an entry in ClinVar:

ClinVar aggregate classification (germline): Uncertain significance (1 of 4 stars; one submission).

Submission:

Labcorp Genetics (formerly Invitae), Labcorp
Classification: Uncertain significance. Last evaluated: 2023-07-07. Review status: criteria provided, single submitter. Criteria: Invitae Variant Classification Sherloc (09022015). Collection method: clinical testing. Allele origin: germline.
Comment: In summary, the available evidence is currently insufficient to determine the role of this variant in disease. Therefore, it has been classified as a Variant of Uncertain Significance. This variant has not been reported in the literature in individuals affected with POLE-related conditions. This variant results in a copy number gain of the genomic region encompassing exon(s) 1-29 of the POLE gene. This region includes the initiator codon of the gene. This copy number gain extends beyond the assayed region for this gene and therefore may encompass additional genes. As the precise location of this event is unknown, it may be in tandem or it may be located elsewhere in the genome.

NC_000012.11:g.(?_133233712)_(133263901_?)dup

Gene: POLE (DNA polymerase epsilon, catalytic subunit; minus strand). Cytogenetic location: 12q24.33.
Variant type: Duplication.
Identifiers: ClinVar variation 1448121 (VCV001448121.5).